The following is an entry in ClinVar:

NM_000381.4(MID1):c.1142-1G>T

Gene: MID1 (midline 1; minus strand). Cytogenetic location: Xp22.2.
Variant type: single nucleotide variant.
Coding change: c.1142-1G>T on transcript NM_000381.4 (MANE Select); the canonical splice acceptor site of the intron before coding-DNA position 1142, G replaced by T.
Molecular consequence: splice acceptor variant.
Genome position (GRCh38, 1-based): chrX:10,469,841, C>A on the plus strand (G>T on the coding strand, the complement: MID1 is on the minus strand). VCF-style: chrX-10469841-C-A. GRCh37 (hg19) VCF-style: chrX-10437881-C-A.
Other names: c.1142-1G>T (NM_033290.4, NM_001098624.2, NM_001347733.2 and 2 more transcripts); c.1028-1G>T (NM_033289.2, NM_001193280.1); c.1295-1G>T (NM_001193278.1).
Identifiers: ClinVar variation 989248 (VCV000989248.4), dbSNP rs1929600096, ClinGen allele CA412052411.

ClinVar aggregate classification (germline): Likely pathogenic (1 of 4 stars; one submission).

Conditions:
X-linked Opitz G/BBB syndrome (GBBB). Also called: Opitz-Frias syndrome; MID1-Related Opitz G/BBB Syndrome; OPITZ BBBG SYNDROME, TYPE I; OPITZ SYNDROME, X-LINKED; OPITZ-G SYNDROME, TYPE I. Identifiers: Orphanet 2745, MedGen C2936904, MONDO:0010222, OMIM 300000.

Submission:

Illumina Laboratory Services, Illumina
Classification: Likely pathogenic for X-linked Opitz G/BBB syndrome. Last evaluated: 2019-03-01. Review status: criteria provided, single submitter. Criteria: ICSLVariantClassificationCriteria RUGD 01 April 2020. Collection method: clinical testing. Allele origin: unknown.
Comment: The MID1 c.1142-1G>T variant occurs in a canonical splice site (acceptor) and is therefore predicted to disrupt the normal gene product. A literature search was performed for the gene and cDNA change. No publications were found based on this search. This variant is not found in the Genome Aggregation Database in a region of good sequence coverage so the variant is presumed to be rare. Based on the potential effect of splice site variants and its rarity, the c.1142-1G>T variant is classified as likely pathogenic for X-linked Opitz G/BBB syndrome.